The following is an entry in ClinVar:

NM_201253.3(CRB1):c.2677-13C>A

Gene: CRB1 (crumbs cell polarity complex component 1; plus strand). Cytogenetic location: 1q31.3.
Variant type: single nucleotide variant.
Coding change: c.2677-13C>A on transcript NM_201253.3 (MANE Select); 13 bases into the intron before coding-DNA position 2677, C replaced by A.
Molecular consequence: intron variant.
Genome position (GRCh38, 1-based): chr1:197,429,436, C>A. VCF-style: chr1-197429436-C-A. GRCh37 (hg19) VCF-style: chr1-197398566-C-A.
Other names: c.2605-13C>A (NM_001257965.2); c.2129-6164C>A (NM_001257966.2); c.2341-13C>A (NM_001193640.2).
Identifiers: ClinVar variation 2163702 (VCV002163702.4), dbSNP rs375534951, ClinGen allele CA1312188.
Genomic context (GRCh38, chr1:197,429,436, plus strand): 5'-TGTGGTTTCACCGTCAACATTTTTCTATTTAGTTGCCAGTGCTTTTTATACCTTTGATTT[C>A]TTTTCTGCTCAGTCCAACCCCTGTCACAATGGAGGTGTTTGCCATTCCCGGTGGGATGAC-3'

ClinVar aggregate classification (germline): Uncertain significance (1 of 4 stars; one submission).

Conditions:
Leber congenital amaurosis 8 (LCA8). Identifiers: Orphanet 65, MedGen C3151202, MONDO:0013453, OMIM 613835.
Retinitis pigmentosa 12 (RP12). Also called: RP WITH OR WITHOUT PRESERVED PARAARTERIOLE RETINAL PIGMENT EPITHELIUM; RETINITIS PIGMENTOSA WITH OR WITHOUT PARAARTERIOLAR PRESERVATION OF RETINAL PIGMENT EPITHELIUM; RP WITH OR WITHOUT PPRPE. Identifiers: Orphanet 791, MedGen C1838647, MONDO:0010818, OMIM 600105.

Allele frequency attached by ClinVar (database versions not stated): ExAC 0.00002; TOPMed 0.00002; gnomAD 0.00003; ESP Exome Variant Server 0.00008; 1000 Genomes Project 30x 0.00047; 1000 Genomes Project 0.00060.
gnomAD v4.1: 9 of 1,613,834 alleles (0.00056%); highest among the groups gnomAD compares: African/African-American, 0.0093%; no homozygotes.

Submission:

Labcorp Genetics (formerly Invitae), Labcorp
Classification: Uncertain significance for Leber congenital amaurosis 8; Retinitis pigmentosa 12. Last evaluated: 2022-08-01. Review status: criteria provided, single submitter. Criteria: Invitae Variant Classification Sherloc (09022015). Collection method: clinical testing. Allele origin: germline.
Comment: In summary, the available evidence is currently insufficient to determine the role of this variant in disease. Therefore, it has been classified as a Variant of Uncertain Significance. Algorithms developed to predict the effect of sequence changes on RNA splicing suggest that this variant may disrupt the consensus splice site. This variant has not been reported in the literature in individuals affected with CRB1-related conditions. This variant is present in population databases (rs375534951, gnomAD 0.03%). This sequence change falls in intron 7 of the CRB1 gene. It does not directly change the encoded amino acid sequence of the CRB1 protein.